The following is an entry in ClinVar:

ClinVar aggregate classification (germline): Uncertain significance (1 of 4 stars; one submission).

Conditions:
Hereditary cancer-predisposing syndrome. Also called: Neoplastic Syndromes, Hereditary; Tumor predisposition; Hereditary neoplastic syndrome; Hereditary Cancer Syndrome. Identifiers: Orphanet 140162, MedGen C0027672, MeSH D009386, MONDO:0015356.

Submission:

Ambry Genetics
Classification: Uncertain significance for Hereditary cancer-predisposing syndrome. Last evaluated: 2026-07-06. Review status: criteria provided, single submitter. Criteria: Ambry Variant Classification Scheme 2023. Collection method: clinical testing. Allele origin: germline.
Comment: The p.S310C variant (also known as c.928A>T), located in coding exon 5 of the FLCN gene, results from an A to T substitution at nucleotide position 928. The serine at codon 310 is replaced by cysteine, an amino acid with dissimilar properties. This amino acid position is conserved. In addition, this alteration is predicted to be tolerated by in silico analysis. Based on the available evidence, the clinical significance of this variant remains unclear.

NM_144997.7(FLCN):c.871+57A>T

Gene: FLCN (folliculin; minus strand). Cytogenetic location: 17p11.2.
Variant type: single nucleotide variant.
Coding change: c.871+57A>T on transcript NM_144997.7 (MANE Select); 57 bases into the intron after coding-DNA position 871, A replaced by T.
Molecular consequence: intron variant. On other transcripts: missense variant (1).
Genome position (GRCh38, 1-based): chr17:17,221,480, T>A on the plus strand (A>T on the coding strand, the complement: FLCN is on the minus strand). VCF-style: chr17-17221480-T-A. GRCh37 (hg19) VCF-style: chr17-17124794-T-A.
Other names: c.928A>T, p.Ser310Cys (NM_144606.7); c.871+57A>T (NM_001353231.2, NM_001353230.2); c.925+57A>T (NM_001353229.2); short protein forms S310C.
Identifiers: ClinVar variation 5021855 (VCV005021855.1).
Genomic context (GRCh38, chr17:17,221,480, plus strand): 5'-TGGGCTGATTCAGAGCCGCGTTTCCCTCCCTCAGCGATTCCTGCCAGGAGAGCAGACAGC[T>A]GGTACCGCCCCACGGCCATCCGGGCCAAGGCCCCGGCAACAGCACCCCTGCCTCACCAGC-3'